The following is an entry in ClinVar:

NM_018943.3(TUBA8):c.1090C>T (p.Pro364Ser)

Gene: TUBA8 (tubulin alpha 8; plus strand). Cytogenetic location: 22q11.21.
Variant type: single nucleotide variant.
Coding change: c.1090C>T on transcript NM_018943.3 (MANE Select); coding-DNA position 1090, C replaced by T.
Protein change: p.Pro364Ser; replaces proline 364 with serine.
Molecular consequence: missense variant.
Genome position (GRCh38, 1-based): chr22:18,130,876, C>T. VCF-style: chr22-18130876-C-T. GRCh37 (hg19) VCF-style: chr22-18613643-C-T.
Other names: c.892C>T, p.Pro298Ser (NM_001193414.2); short protein forms P364S, P298S.
Identifiers: ClinVar variation 2190781 (VCV002190781.4), dbSNP rs749719544, ClinGen allele CA10093838.

ClinVar aggregate classification (germline): Uncertain significance (1 of 4 stars; one submission).

Allele frequency attached by ClinVar (database versions not stated): gnomAD exomes below 0.00001; ExAC 0.00001.
gnomAD v4.1: 2 of 1,614,026 alleles (0.00012%); highest among the groups gnomAD compares: Admixed American, 0.0033%; no homozygotes.

Submission:

Labcorp Genetics (formerly Invitae), Labcorp
Classification: Uncertain significance. Last evaluated: 2025-03-31. Review status: criteria provided, single submitter. Criteria: Invitae Variant Classification Sherloc (09022015). Collection method: clinical testing. Allele origin: germline.
Comment: This sequence change replaces proline, which is neutral and non-polar, with serine, which is neutral and polar, at codon 364 of the TUBA8 protein (p.Pro364Ser). This variant is present in population databases (rs749719544, gnomAD 0.006%). This variant has not been reported in the literature in individuals affected with TUBA8-related conditions. ClinVar contains an entry for this variant (Variation ID: 2190781). An algorithm developed to predict the effect of missense changes on protein structure and function (PolyPhen-2) suggests that this variant is likely to be disruptive. In summary, the available evidence is currently insufficient to determine the role of this variant in disease. Therefore, it has been classified as a Variant of Uncertain Significance.